The following is an entry in ClinVar:

ClinVar aggregate classification (germline): Pathogenic. Review status: criteria provided, multiple submitters, no conflicts (2 of 4 stars). 6 submissions from 6 submitters: Pathogenic (5). 1 of the submissions does not count toward it. Last evaluated 2026-04-20.

Conditions:
FAM161A-related disorder. Also called: FAM161A-related condition.
Retinitis pigmentosa 28 (RP28). Identifiers: Orphanet 791, MedGen C1419614, MONDO:0011630, OMIM 606068.

Allele frequency attached by ClinVar (database versions not stated): gnomAD exomes below 0.00001.
gnomAD v4.1: 1 of 1,614,238 alleles (0.000062%); highest among the groups gnomAD compares: South Asian, 0.0011%; no homozygotes.

Submissions (6):

Myriad Genetics, Inc.
Classification: Pathogenic for Retinitis pigmentosa 28. Last evaluated: 2026-04-20. Review status: criteria provided, single submitter. Criteria: Myriad Autosomal Dominant, Autosomal Recessive and X-Linked Classification Criteria (2023). Collection method: clinical testing. Allele origin: unknown.
Comment: NM_001201543.1(FAM161A):c.943A>T(K315*) is a nonsense variant classified as pathogenic in the context of retinitis pigmentosa, FAM161A-related. K315* has been observed in cases with relevant disease (PMID: 31236346). Relevant functional assessments of this variant are not available in the literature. K315* has not been observed in referenced population frequency databases. In summary, NM_001201543.1(FAM161A):c.943A>T(K315*) is a nonsense variant in a gene where loss of function is a known mechanism of disease, is predicted to disrupt protein function, and has been observed more frequently in cases with the relevant disease than in healthy populations. Please note: this variant was assessed in the context of healthy population screening.

Natera, Inc.
Classification: Pathogenic for Retinitis pigmentosa type 28. Last evaluated: 2025-03-10. Review status: criteria provided, single submitter. Criteria: Natera Variant Classification Schema (03/2026). Collection method: clinical testing. Allele origin: germline.
Comment: The c.943A>T variant in FAM161A is a nonsense variant predicted to introduce a stop codon at amino acid 315. This variant is expected to result in nonsense mediated decay, truncation, or a dysfunctional protein product. This variant is rare in the general population with a frequency below the threshold expected for the associated phenotype(s). This variant has been observed in one or more individuals affected with the associated recessive disease, as either homozygous or compound heterozygous with a second variant (PMID: 31236346). Additionally, this variant has been observed to segregate in affected family members (PMID: 31236346). Given the available evidence, this variant is classified as Pathogenic.

Labcorp Genetics (formerly Invitae), Labcorp
Classification: Pathogenic. Last evaluated: 2024-12-02. Review status: criteria provided, single submitter. Criteria: Invitae Variant Classification Sherloc (09022015). Collection method: clinical testing. Allele origin: germline.
Comment: This sequence change creates a premature translational stop signal (p.Lys315*) in the FAM161A gene. It is expected to result in an absent or disrupted protein product. Loss-of-function variants in FAM161A are known to be pathogenic (PMID: 20705278, 20705279, 24651477). This variant is not present in population databases (gnomAD no frequency). This premature translational stop signal has been observed in individual(s) with retinitis pigmentosa (PMID: 31236346). ClinVar contains an entry for this variant (Variation ID: 828065). For these reasons, this variant has been classified as Pathogenic.

Fulgent Genetics
Classification: Pathogenic for Retinitis pigmentosa 28. Last evaluated: 2024-04-03. Review status: criteria provided, single submitter. Criteria: ACMG Guidelines, 2015. Collection method: clinical testing. Allele origin: germline.

Blueprint Genetics
Classification: Pathogenic for FAM161A-related disorders. Last evaluated: 2023-10-18. Review status: criteria provided, single submitter. Criteria: ACMG Guidelines, 2015. Collection method: clinical testing. Allele origin: germline. Affected: yes. Observed: 2 variant alleles.

OMIM
Classification: Pathogenic for RETINITIS PIGMENTOSA 28. Last evaluated: 2020-03-26. Review status: no assertion criteria provided. Collection method: literature only. Allele origin: germline. Not counted in ClinVar's aggregate classification.

Literature cited by the submitters: PubMed 31236346 (cited by 4 submitters); PubMed 20705278 (cited by Labcorp Genetics (formerly Invitae), Labcorp); PubMed 20705279 (cited by Labcorp Genetics (formerly Invitae), Labcorp); PubMed 24651477 (cited by Labcorp Genetics (formerly Invitae), Labcorp).

NM_001201543.2(FAM161A):c.943A>T (p.Lys315Ter)

Gene: FAM161A (FAM161 centrosomal protein A; minus strand). Cytogenetic location: 2p15.
Variant type: single nucleotide variant.
Coding change: c.943A>T on transcript NM_001201543.2 (MANE Select); coding-DNA position 943, A replaced by T.
Protein change: p.Lys315Ter; replaces lysine 315 with a stop codon.
Molecular consequence: nonsense. On other transcripts: non-coding transcript variant (1).
Genome position (GRCh38, 1-based): chr2:61,840,061, T>A on the plus strand (A>T on the coding strand, the complement: FAM161A is on the minus strand). VCF-style: chr2-61840061-T-A. GRCh37 (hg19) VCF-style: chr2-62067196-T-A.
Other names: c.943A>T, p.Lys315Ter (NM_032180.3); short protein forms K315*.
Identifiers: ClinVar variation 828065 (VCV000828065.11), dbSNP rs1572879569, ClinGen allele CA346987776.